The following is an entry in ClinVar:

ClinVar aggregate classification (germline): Uncertain significance. Review status: criteria provided, multiple submitters, no conflicts (2 of 4 stars). 2 submissions from 2 submitters: Uncertain significance (2). Last evaluated 2021-01-25.

Conditions:
DEPDC5-related disorder. Also called: DEPDC5-related condition; DEPDC5-related related disorder.
Epilepsy, familial focal, with variable foci 1 (FFEVF1). Also called: DEPDC5-Related Epilepsy. Identifiers: MedGen C4551983, MONDO:0024556, OMIM 604364.

gnomAD v4.1: 3 of 1,613,898 alleles (0.00019%); highest among the groups gnomAD compares: Non-Finnish European, 0.00025%; no homozygotes.

Submissions (2):

HudsonAlpha Institute for Biotechnology
Classification: Uncertain significance for Epilepsy, familial focal, with variable foci 1. Last evaluated: 2021-01-25. Review status: criteria provided, single submitter. Criteria: ACMG Guidelines, 2015. Collection method: research. Allele origin: maternal. Observed: 1 variant allele. Study: HudsonAlpha-AGHI-WGS.
Comment: ACMG codes:PM2, PP3

GeneDx
Classification: Uncertain significance. Last evaluated: 2016-06-02. Review status: criteria provided, single submitter. Criteria: GeneDx Variant Classification (06012015). Collection method: clinical testing. Allele origin: germline. Affected: yes.
Comment: The R1366L variant in the DEPDC5 gene has not been reported previously as a pathogenic variant, nor as a benign variant, to our knowledge. The R1366L variant was not observed in approximately 6200 individuals of European and African American ancestry in the NHLBI Exome Sequencing Project, indicating it is not a common benign variant in these populations. The R1366L variant is a non-conservative amino acid substitution, which is likely to impact secondary protein structure as these residues differ in polarity, charge, size and/or other properties. This substitution occurs at a position that is conserved across species and in silico analysis predicts this variant is probably damaging to the protein structure/function. Therefore, we interpret R1366L as a variant of uncertain significance.

NM_001242896.3(DEPDC5):c.4097G>T (p.Arg1366Leu)

Gene: DEPDC5 (DEP domain containing 5, GATOR1 subcomplex subunit; plus strand). Cytogenetic location: 22q12.3.
Variant type: single nucleotide variant.
Coding change: c.4097G>T on transcript NM_001242896.3 (MANE Select); coding-DNA position 4097, G replaced by T.
Protein change: p.Arg1366Leu; replaces arginine 1366 with leucine.
Molecular consequence: missense variant. On other transcripts: non-coding transcript variant (5).
Genome position (GRCh38, 1-based): chr22:31,893,645, G>T. VCF-style: chr22-31893645-G-T. GRCh37 (hg19) VCF-style: chr22-32289631-G-T.
Other names: c.4070G>T, p.Arg1357Leu (NM_001136029.4); c.3797G>T, p.Arg1266Leu (NM_001242897.2); c.4031G>T, p.Arg1344Leu (NM_001363852.2, NM_001364320.2); c.3863G>T, p.Arg1288Leu (NM_001363854.2, NM_001364319.2); c.4097G>T, p.Arg1366Leu (NM_001364318.2); c.4013G>T, p.Arg1338Leu (NM_001369901.1, NM_001369902.1); c.4004G>T, p.Arg1335Leu (NM_001369903.1, NM_014662.6); short protein forms R1266L, R1366L, R1357L, R1335L, R1344L, R1288L, R1338L.
Identifiers: ClinVar variation 421378 (VCV000421378.4), dbSNP rs1064795095, ClinGen allele CA16621113.
Genomic context (GRCh38, chr22:31,893,645, plus strand): 5'-CCACTGTCCCAGAGCAGAGGACTGTGACCCTGGATGTTGACGTGAACAACCGCACAGACC[G>T]GCTGGAGTGGTGCAGCTGTTATTACCATGGCAACTTTTCTCTGAATGCAGCCTTTGAGAT-3'
Protein context (NP_001229825.1, residues 1356-1376): LDVDVNNRTD[Arg1366Leu]LEWCSCYYHG